The following is an entry in ClinVar:

NM_005422.4(TECTA):c.3224T>C (p.Ile1075Thr)

Genes: TBCEL-TECTA (TBCEL-TECTA readthrough; plus strand), TECTA (tectorin alpha; plus strand). Cytogenetic location: 11q23.3.
Variant type: single nucleotide variant.
Coding change: c.3224T>C on transcript NM_005422.4 (MANE Select); coding-DNA position 3224, T replaced by C.
Protein change: p.Ile1075Thr; replaces isoleucine 1075 with threonine.
Molecular consequence: missense variant.
Genome position (GRCh38, 1-based): chr11:121,137,703, T>C. VCF-style: chr11-121137703-T-C. GRCh37 (hg19) VCF-style: chr11-121008412-T-C.
Other names: c.4181T>C, p.Ile1394Thr (NM_001378761.1); short protein forms I1075T, I1394T.
Identifiers: ClinVar variation 1050190 (VCV001050190.2), dbSNP rs764774939, ClinGen allele CA6327169.

ClinVar aggregate classification (germline): Uncertain significance. Review status: criteria provided, single submitter (1 of 4 stars). 2 submissions from 2 submitters: Uncertain significance (1). 1 of the submissions does not count toward it. Last evaluated 2022-09-07.

Allele frequency attached by ClinVar (database versions not stated): gnomAD 0.00001; gnomAD exomes 0.00001; ExAC 0.00002.
gnomAD v4.1: 4 of 1,613,964 alleles (0.00025%); highest among the groups gnomAD compares: Admixed American, 0.005%; no homozygotes.

Submissions (2):

Blueprint Genetics
Classification: Uncertain significance. Last evaluated: 2022-09-07. Review status: criteria provided, single submitter. Criteria: ACMG Guidelines, 2015. Collection method: clinical testing. Allele origin: germline.

Department of Pathology and Laboratory Medicine, Sinai Health System
Classification: Uncertain significance. Review status: no assertion criteria provided. Collection method: clinical testing. Allele origin: unknown. Affected: yes. Study: The Canadian Open Genetics Repository (COGR). Not counted in ClinVar's aggregate classification.
Comment: The TECTA p.I1075T variant was not identified in the literature nor was it identified in ClinVar. The variant was identified in dbSNP (ID: rs764774939) and in control databases in 3 of 251388 chromosomes at a frequency of 0.00001193 (Genome Aggregation Database March 6, 2019, v2.1.1). The p.I1075 residue is not conserved in mammals and computational analyses (MUT Assesor, PolyPhen-2, SIFT, MutationTaster, Revel, FATHMM, MetaLR, DANN) do not suggest a high likelihood of impact to the protein; however this information is not predictive enough to rule out pathogenicity. The variant occurs outside of the splicing consensus sequence and in silico or computational prediction software programs (Splice AI exome) do not predict a difference in splicing. In summary, based on the above information the clinical significance of this variant cannot be determined with certainty at this time. This variant is classified as a variant of uncertain significance.